The following is an entry in ClinVar:

NM_000018.4(ACADVL):c.826_849del (p.Lys276_Val283del)

Gene: ACADVL (acyl-CoA dehydrogenase very long chain; plus strand). Cytogenetic location: 17p13.1.
Variant type: Deletion.
Coding change: c.826_849del on transcript NM_000018.4 (MANE Select); coding-DNA positions 826 to 849, 24 bases deleted (AAGGAGAAGATCACAGCTTTTGTG).
Protein change: p.Lys276_Val283del.
Molecular consequence: inframe deletion.
Genome position (GRCh38, 1-based): chr17:7,222,250-7,222,273, AAGGAGAAGATCACAGCTTTTGTG deleted; deleting any 24 consecutive bases within chr17:7,222,247-7,222,273 gives the same sequence; the c. name uses the placement nearest the transcript's 3' end. VCF-style (leftmost placement, unchanged base first): chr17-7222246-CGTGAAGGAGAAGATCACAGCTTTT-C. GRCh37 (hg19) VCF-style: chr17-7125565-CGTGAAGGAGAAGATCACAGCTTTT-C.
Other names: c.760_783del, p.Lys254_Val261del (NM_001033859.3); c.895_918del, p.Lys299_Val306del (NM_001270447.2); c.598_621del, p.Lys200_Val207del (NM_001270448.2).
Identifiers: ClinVar variation 541719 (VCV000541719.8), dbSNP rs1555528367, ClinGen allele CA658798684.

ClinVar aggregate classification (germline): Pathogenic (1 of 4 stars; one submission).

Conditions:
Very long chain acyl-CoA dehydrogenase deficiency (ACADVLD). Also called: Very Long-Chain Acyl-Coenzyme A Dehydrogenase Deficiency; VLCAD Deficiency. Identifiers: Orphanet 26793, MedGen C3887523, MONDO:0008723, OMIM 201475.

Submission:

Labcorp Genetics (formerly Invitae), Labcorp
Classification: Pathogenic for Very long chain acyl-CoA dehydrogenase deficiency. Last evaluated: 2023-05-22. Review status: criteria provided, single submitter. Criteria: Invitae Variant Classification Sherloc (09022015). Collection method: clinical testing. Allele origin: germline.
Comment: For these reasons, this variant has been classified as Pathogenic. This variant disrupts a region of the ACADVL protein in which other variant(s) (p.Glu277del) have been determined to be pathogenic (PMID: 23169530, 23430948, 27209629, 30194637). This suggests that this is a clinically significant region of the protein, and that variants that disrupt it are likely to be disease-causing. ClinVar contains an entry for this variant (Variation ID: 541719). This variant has not been reported in the literature in individuals affected with ACADVL-related conditions. This variant is not present in population databases (gnomAD no frequency). This variant, c.826_849del, results in the deletion of 8 amino acid(s) of the ACADVL protein (p.Lys276_Val283del), but otherwise preserves the integrity of the reading frame.

Literature cited by the submitters: PubMed 23169530; PubMed 23430948; PubMed 27209629; PubMed 30194637.